The following is an entry in ClinVar:

ClinVar aggregate classification (germline): Uncertain significance (1 of 4 stars; one submission).

gnomAD v4.1: 3 of 1,600,248 alleles (0.00019%); highest among the groups gnomAD compares: Non-Finnish European, 0.00026%; no homozygotes.

Submission:

Labcorp Genetics (formerly Invitae), Labcorp
Classification: Uncertain significance. Last evaluated: 2025-07-10. Review status: criteria provided, single submitter. Criteria: Invitae Variant Classification Sherloc (09022015). Collection method: clinical testing. Allele origin: germline.
Comment: This sequence change replaces proline, which is neutral and non-polar, with glutamine, which is neutral and polar, at codon 142 of the GUF1 protein (p.Pro142Gln). This variant is not present in population databases (gnomAD no frequency). This variant has not been reported in the literature in individuals affected with GUF1-related conditions. An algorithm developed to predict the effect of missense changes on protein structure and function (PolyPhen-2) suggests that this variant is likely to be disruptive. In summary, the available evidence is currently insufficient to determine the role of this variant in disease. Therefore, it has been classified as a Variant of Uncertain Significance.

NM_021927.3(GUF1):c.425C>A (p.Pro142Gln)

Gene: GUF1 (GTP binding elongation factor GUF1; plus strand). Cytogenetic location: 4p12.
Variant type: single nucleotide variant.
Coding change: c.425C>A on transcript NM_021927.3 (MANE Select); coding-DNA position 425, C replaced by A.
Protein change: p.Pro142Gln; replaces proline 142 with glutamine.
Molecular consequence: missense variant. On other transcripts: 5 prime UTR variant (2).
Genome position (GRCh38, 1-based): chr4:44,680,841, C>A. VCF-style: chr4-44680841-C-A. GRCh37 (hg19) VCF-style: chr4-44682858-C-A.
Other names: c.-544C>A (NM_001345867.2); c.425C>A, p.Pro142Gln (NM_001345868.2); c.-548C>A (NM_001345869.2); short protein forms P142Q.
Identifiers: ClinVar variation 4774891 (VCV004774891.1).